The following is an entry in ClinVar:

ClinVar aggregate classification (germline): Uncertain significance. Review status: criteria provided, multiple submitters, no conflicts (2 of 4 stars). 2 submissions from 2 submitters: Uncertain significance (2). Last evaluated 2026-01-04.

Conditions:
Fanconi anemia complementation group J. Also called: BRIP1-Related Fanconi Anemia. Identifiers: Orphanet 84, MedGen C1836860, MONDO:0012187, OMIM 609054.
Familial cancer of breast. Also called: BREAST CANCER, FAMILIAL; Hereditary breast cancer; hereditary breast carcinoma. Identifiers: Orphanet 227535, MedGen C0346153, MONDO:0016419, OMIM 114480. Disease mechanism: loss of function.
Hereditary cancer-predisposing syndrome. Also called: Tumor predisposition; Neoplastic Syndromes, Hereditary; Hereditary Cancer Syndrome; Hereditary neoplastic syndrome. Identifiers: Orphanet 140162, MedGen C0027672, MeSH D009386, MONDO:0015356.

Submissions (2):

Labcorp Genetics (formerly Invitae), Labcorp
Classification: Uncertain significance for Familial cancer of breast; Fanconi anemia complementation group J. Last evaluated: 2026-01-04. Review status: criteria provided, single submitter. Criteria: Invitae Variant Classification Sherloc (09022015). Collection method: clinical testing. Allele origin: germline.
Comment: This sequence change replaces glycine, which is neutral and non-polar, with valine, which is neutral and non-polar, at codon 654 of the BRIP1 protein (p.Gly654Val). This variant is not present in population databases (gnomAD no frequency). This variant has not been reported in the literature in individuals affected with BRIP1-related conditions. ClinVar contains an entry for this variant (Variation ID: 1783447). Invitae Evidence Modeling of protein sequence and biophysical properties (such as structural, functional, and spatial information, amino acid conservation, physicochemical variation, residue mobility, and thermodynamic stability) indicates that this missense variant is expected to disrupt BRIP1 protein function with a positive predictive value of 95%. In summary, the available evidence is currently insufficient to determine the role of this variant in disease. Therefore, it has been classified as a Variant of Uncertain Significance.

Ambry Genetics
Classification: Uncertain significance for Hereditary cancer-predisposing syndrome. Last evaluated: 2021-04-26. Review status: criteria provided, single submitter. Criteria: Ambry Variant Classification Scheme 2023. Collection method: clinical testing. Allele origin: germline.
Comment: The p.G654V variant (also known as c.1961G>T), located in coding exon 13 of the BRIP1 gene, results from a G to T substitution at nucleotide position 1961. The glycine at codon 654 is replaced by valine, an amino acid with dissimilar properties. This amino acid position is highly conserved in available vertebrate species. In addition, this alteration is predicted to be deleterious by in silico analysis. Since supporting evidence is limited at this time, the clinical significance of this alteration remains unclear.

NM_032043.3(BRIP1):c.1961G>T (p.Gly654Val)

Gene: BRIP1 (BRCA1 interacting DNA helicase 1; minus strand). Cytogenetic location: 17q23.2.
Variant type: single nucleotide variant.
Coding change: c.1961G>T on transcript NM_032043.3 (MANE Select); coding-DNA position 1961, G replaced by T.
Protein change: p.Gly654Val; replaces glycine 654 with valine.
Molecular consequence: missense variant.
Genome position (GRCh38, 1-based): chr17:61,776,537, C>A on the plus strand (G>T on the coding strand, the complement: BRIP1 is on the minus strand). VCF-style: chr17-61776537-C-A. GRCh37 (hg19) VCF-style: chr17-59853898-C-A.
Other names: short protein forms G654V.
Identifiers: ClinVar variation 1783447 (VCV001783447.3), dbSNP rs2145033255, ClinGen allele CA400478557.